The following is an entry in ClinVar:

ClinVar aggregate classification (germline): Uncertain significance (1 of 4 stars; one submission).

Conditions:
Trichorhinophalangeal syndrome, type III (TRPS3). Also called: SUGIO-KAJII SYNDROME. Identifiers: Orphanet 77258, MedGen C1860823, OMIM 190351, MONDO:0008597.
Trichorhinophalangeal dysplasia type I (TRPS1). Also called: TRPS I; TRICHORHINOPHALANGEAL SYNDROME, TYPE I. Identifiers: Orphanet 77258, MedGen C0432233, MONDO:0008596, OMIM 190350.

Submission:

Labcorp Genetics (formerly Invitae), Labcorp
Classification: Uncertain significance for Trichorhinophalangeal syndrome, type III; Trichorhinophalangeal dysplasia type I. Last evaluated: 2022-02-20. Review status: criteria provided, single submitter. Criteria: Invitae Variant Classification Sherloc (09022015). Collection method: clinical testing. Allele origin: germline.
Comment: In summary, the available evidence is currently insufficient to determine the role of this variant in disease. Therefore, it has been classified as a Variant of Uncertain Significance. This variant disrupts the p.Cys912 amino acid residue in TRPS1. Other variant(s) that disrupt this residue have been determined to be pathogenic (PMID: 23572024). This suggests that this residue is clinically significant, and that variants that disrupt this residue are likely to be disease-causing. Algorithms developed to predict the effect of missense changes on protein structure and function (SIFT, PolyPhen-2, Align-GVGD) all suggest that this variant is likely to be disruptive. This variant has not been reported in the literature in individuals affected with TRPS1-related conditions. This variant is not present in population databases (gnomAD no frequency). This sequence change replaces cysteine, which is neutral and slightly polar, with phenylalanine, which is neutral and non-polar, at codon 912 of the TRPS1 protein (p.Cys912Phe).

Literature cited by the submitters: PubMed 23572024.

NM_014112.5(TRPS1):c.2735G>T (p.Cys912Phe)

Gene: TRPS1 (transcriptional repressor GATA binding 1; minus strand). Cytogenetic location: 8q23.3.
Variant type: single nucleotide variant.
Coding change: c.2735G>T on transcript NM_014112.5 (MANE Select); coding-DNA position 2735, G replaced by T.
Protein change: p.Cys912Phe; replaces cysteine 912 with phenylalanine.
Molecular consequence: missense variant.
Genome position (GRCh38, 1-based): chr8:115,418,418, C>A on the plus strand (G>T on the coding strand, the complement: TRPS1 is on the minus strand). VCF-style: chr8-115418418-C-A. GRCh37 (hg19) VCF-style: chr8-116430646-C-A.
Other names: c.2708G>T, p.Cys903Phe (NM_001282902.3); c.2714G>T, p.Cys905Phe (NM_001282903.3); c.2696G>T, p.Cys899Phe (NM_001330599.2); short protein forms C912F, C903F, C899F, C905F.
Identifiers: ClinVar variation 2072510 (VCV002072510.4), dbSNP rs2536588569, ClinGen allele CA372064358.